The following is an entry in ClinVar:

ClinVar aggregate classification (germline): Pathogenic (1 of 4 stars; one submission).

Conditions:
Neurofibromatosis, type 1 (NF1). Also called: Peripheral type neurofibromatosis; VON RECKLINGHAUSEN DISEASE; NEUROFIBROMATOSIS, TYPE I, SOMATIC; Neurofibromatosis, type I. Identifiers: Orphanet 636, MedGen C0027831, MONDO:0018975, OMIM 162200. Disease mechanism: loss of function.

Submission:

Labcorp Genetics (formerly Invitae), Labcorp
Classification: Pathogenic for Neurofibromatosis, type 1. Last evaluated: 2019-05-30. Review status: criteria provided, single submitter. Criteria: Invitae Variant Classification Sherloc (09022015). Collection method: clinical testing. Allele origin: germline.
Comment: This variant is a gross deletion of the genomic region encompassing exons 36-57 of the NF1 gene. The 5' boundary is likely confined to intron 35. The 3' end of this event is unknown as it extends through the termination codon beyond the assayed region for this gene and may encompass additional genes. While this deletion is not anticipated to result in nonsense mediated decay, it is expected to create a truncated protein product or disrupt mRNA translation. Similar deletions of exons 36-57 have been observed in individuals affected with neurofibromatosis type 1 (Invitae). Multiple missense variants, including p.Arg1809Cys, p.Arg1809Leu, and p.Arg1849Gln, located within the deleted region, have been determined to be pathogenic (PMID: 10607834, 10980545, 24357598, 12807981, 26178382). This suggests that this region is critical for NF1 protein function and that the deletion of this larger portion of the NF1 protein may also be pathogenic. For these reasons, this variant has been classified as Pathogenic.

Literature cited by the submitters: PubMed 10980545; PubMed 24357598; PubMed 26178382; PubMed 12807981; PubMed 10607834.

NC_000017.11:g.(?_31325800)_(31374175_?)del

Genes: NF1 (neurofibromin 1; plus strand), LOC108281182 (NF1 intron 50 Alu-mediated recombination region; plus strand), LOC125177454 (Sharpr-MPRA regulatory region 6872; plus strand). Cytogenetic location: 17q11.2.
Variant type: Deletion.
Identifiers: ClinVar variation 584292 (VCV000584292.2).